The following is an entry in ClinVar:

ClinVar aggregate classification (germline): Likely benign. Review status: criteria provided, multiple submitters, no conflicts (2 of 4 stars). 3 submissions from 3 submitters: Likely benign (3). Last evaluated 2025-04-02.

Conditions:
Combined oxidative phosphorylation deficiency 44. Also called: FASTKD2-Related Combined Oxidative Phosphorylation Deficiency. Identifiers: MedGen C5394293, MONDO:0030020, OMIM 618855.

Submissions (3):

Labcorp Genetics (formerly Invitae), Labcorp
Classification: Likely benign. Last evaluated: 2025-04-02. Review status: criteria provided, single submitter. Criteria: Invitae Variant Classification Sherloc (09022015). Collection method: clinical testing. Allele origin: germline.

GeneDx
Classification: Likely benign. Last evaluated: 2023-06-13. Review status: criteria provided, single submitter. Criteria: GeneDx Variant Classification Process June 2021. Collection method: clinical testing. Allele origin: germline. Affected: yes.
Comment: See Variant Classification Assertion Criteria.

Fulgent Genetics
Classification: Likely benign for Combined oxidative phosphorylation deficiency 44. Last evaluated: 2022-03-19. Review status: criteria provided, single submitter. Criteria: ACMG Guidelines, 2015. Collection method: clinical testing. Allele origin: unknown.

NM_001136193.2(FASTKD2):c.2014-12_2014-11del

Gene: FASTKD2 (FAST kinase domains 2; plus strand). Cytogenetic location: 2q33.3.
Variant type: Deletion.
Coding change: c.2014-12_2014-11del on transcript NM_001136193.2 (MANE Select); 12 bases into the intron before coding-DNA position 2014 through 11 bases into the intron before coding-DNA position 2014, 2 bases deleted (TT; older notation c.2014-12_2014-11delTT).
Molecular consequence: intron variant.
Genome position (GRCh38, 1-based): chr2:206,791,671-206,791,672, TT deleted; deleting any 2 consecutive bases within chr2:206,791,670-206,791,672 gives the same sequence; the c. name uses the placement nearest the transcript's 3' end. VCF-style (leftmost placement, unchanged base first): chr2-206791669-CTT-C. GRCh37 (hg19) VCF-style: chr2-207656393-CTT-C.
Other names: c.2014-12_2014-11delTT (NM_014929.3); c.2014-12_2014-11del (NM_001136194.2, NM_014929.4).
Identifiers: ClinVar variation 418582 (VCV000418582.7), dbSNP rs770341016, ClinGen allele CA2075353.